The following is an entry in ClinVar:

ClinVar aggregate classification (germline): Uncertain significance (1 of 4 stars; one submission).

Submission:

Ambry Genetics
Classification: Uncertain significance. Last evaluated: 2026-07-05. Review status: criteria provided, single submitter. Criteria: Ambry Variant Classification Scheme 2023. Collection method: clinical testing. Allele origin: germline.
Comment: The p.P1501A variant (also known as c.4501C>G), located in coding exon 19 of the WNK2 gene, results from a C to G substitution at nucleotide position 4501. The proline at codon 1501 is replaced by alanine, an amino acid with highly similar properties. This amino acid position is conserved. In addition, this alteration is predicted to be tolerated by in silico analysis. Based on the available evidence, the clinical significance of this variant remains unclear.

NM_006648.4(WNK2):c.4501C>G (p.Pro1501Ala)

Gene: WNK2 (WNK lysine deficient protein kinase 2; plus strand). Cytogenetic location: 9q22.31.
Variant type: single nucleotide variant.
Coding change: c.4501C>G on transcript NM_006648.4 (MANE Select); coding-DNA position 4501, C replaced by G.
Protein change: p.Pro1501Ala; replaces proline 1501 with alanine.
Molecular consequence: missense variant.
Genome position (GRCh38, 1-based): chr9:93,289,255, C>G. VCF-style: chr9-93289255-C-G. GRCh37 (hg19) VCF-style: chr9-96051537-C-G.
Other names: c.4612C>G, p.Pro1538Ala (NM_001282394.3); short protein forms P1538A, P1501A.
Identifiers: ClinVar variation 5031824 (VCV005031824.1).
Genomic context (GRCh38, chr9:93,289,255, plus strand): 5'-GAGCCCAGCCCCCACAGCGGGACCCCACAGCCCGCCTTGGGTCAACCTGCTCCCCTGCTT[C>G]CTGCCGCAGTGGGGGCCGTCAGCCTGGCCACCTCCCAGCTCCCAAGCCCACCCCTGGGGC-3'
Protein context (NP_006639.3, residues 1491-1511): PALGQPAPLL[Pro1501Ala]AAVGAVSLAT